The following is an entry in ClinVar:

ClinVar aggregate classification (germline): Pathogenic. Review status: criteria provided, single submitter (1 of 4 stars). 2 submissions from 2 submitters: Pathogenic (1). 1 of the submissions does not count toward it. Last evaluated 2022-11-14.

Conditions:
PRPH2-related disorder. Also called: PRPH2-related condition; PRPH2-related disorders. Identifiers: MedGen CN239395.

Submissions (2):

Blueprint Genetics
Classification: Pathogenic for PRPH2-related disorders. Last evaluated: 2022-11-14. Review status: criteria provided, single submitter. Criteria: ACMG Guidelines, 2015. Collection method: clinical testing. Allele origin: germline. Affected: yes. Observed: 1 variant allele.

Leiden Open Variation Database
Classification: Pathogenic. Last evaluated: 2021-04-06. Review status: no assertion criteria provided. Collection method: curation. Allele origin: germline. Affected: yes. Not counted in ClinVar's aggregate classification.
Comment: Curator: Global Variome, with Curator vacancy. Submitter to LOVD: Manon Peeters.

Literature cited by the submitters: PubMed 17504850 (cited by Leiden Open Variation Database).

NM_000322.5(PRPH2):c.63G>A (p.Trp21Ter)

Gene: PRPH2 (peripherin 2; minus strand). Cytogenetic location: 6p21.1.
Variant type: single nucleotide variant.
Coding change: c.63G>A on transcript NM_000322.5 (MANE Select); coding-DNA position 63, G replaced by A.
Protein change: p.Trp21Ter; replaces tryptophan 21 with a stop codon.
Molecular consequence: nonsense.
Genome position (GRCh38, 1-based): chr6:42,722,272, C>T on the plus strand (G>A on the coding strand, the complement: PRPH2 is on the minus strand). VCF-style: chr6-42722272-C-T. GRCh37 (hg19) VCF-style: chr6-42690010-C-T.
Other names: short protein forms W21*.
Identifiers: ClinVar variation 1175240 (VCV001175240.2), dbSNP rs2152011132, ClinGen allele CA364138852.